The following is an entry in ClinVar:

NM_001365999.1(SZT2):c.4403A>T (p.Asp1468Val)

Gene: SZT2 (SZT2 subunit of KICSTOR complex; plus strand). Cytogenetic location: 1p34.2.
Variant type: single nucleotide variant.
Coding change: c.4403A>T on transcript NM_001365999.1 (MANE Select); coding-DNA position 4403, A replaced by T.
Protein change: p.Asp1468Val; replaces aspartic acid 1468 with valine.
Molecular consequence: missense variant.
Genome position (GRCh38, 1-based): chr1:43,430,312, A>T. VCF-style: chr1-43430312-A-T. GRCh37 (hg19) VCF-style: chr1-43895983-A-T.
Other names: c.4232A>T (NM_015284.3); c.4232A>T, p.Asp1411Val (NM_015284.4); short protein forms D1411V, D1468V.
Identifiers: ClinVar variation 2081428 (VCV002081428.5), dbSNP rs1298553929, ClinGen allele CA340021165.

ClinVar aggregate classification (germline): Uncertain significance. Review status: criteria provided, multiple submitters, no conflicts (2 of 4 stars). 2 submissions from 2 submitters: Uncertain significance (2). Last evaluated 2025-12-24.

Conditions:
Inborn genetic diseases. Identifiers: MedGen C0950123, MeSH D030342.

Submissions (2):

Ambry Genetics
Classification: Uncertain significance for Inborn genetic diseases. Last evaluated: 2025-12-24. Review status: criteria provided, single submitter. Criteria: Ambry Variant Classification Scheme 2023. Collection method: clinical testing. Allele origin: germline.

Labcorp Genetics (formerly Invitae), Labcorp
Classification: Uncertain significance. Last evaluated: 2022-02-14. Review status: criteria provided, single submitter. Criteria: Invitae Variant Classification Sherloc (09022015). Collection method: clinical testing. Allele origin: germline.
Comment: In summary, the available evidence is currently insufficient to determine the role of this variant in disease. Therefore, it has been classified as a Variant of Uncertain Significance. Algorithms developed to predict the effect of missense changes on protein structure and function are either unavailable or do not agree on the potential impact of this missense change (SIFT: "Deleterious"; PolyPhen-2: "Probably Damaging"; Align-GVGD: "Class C15"). This variant has not been reported in the literature in individuals affected with SZT2-related conditions. This variant is not present in population databases (gnomAD no frequency). This sequence change replaces aspartic acid, which is acidic and polar, with valine, which is neutral and non-polar, at codon 1411 of the SZT2 protein (p.Asp1411Val).